The following is an entry in ClinVar:

ClinVar aggregate classification (germline): Uncertain significance (1 of 4 stars; one submission).

Submission:

Labcorp Genetics (formerly Invitae), Labcorp
Classification: Uncertain significance. Last evaluated: 2024-06-20. Review status: criteria provided, single submitter. Criteria: Invitae Variant Classification Sherloc (09022015). Collection method: clinical testing. Allele origin: germline.
Comment: This sequence change replaces glycine, which is neutral and non-polar, with cysteine, which is neutral and slightly polar, at codon 48 of the KMT2A protein (p.Gly48Cys). The frequency data for this variant in the population databases is considered unreliable, as metrics indicate insufficient coverage at this position in the gnomAD database. This variant has not been reported in the literature in individuals affected with KMT2A-related conditions. Advanced modeling of protein sequence and biophysical properties (such as structural, functional, and spatial information, amino acid conservation, physicochemical variation, residue mobility, and thermodynamic stability) has been performed at Invitae for this missense variant, however the output from this modeling did not meet the statistical confidence thresholds required to predict the impact of this variant on KMT2A protein function. In summary, the available evidence is currently insufficient to determine the role of this variant in disease. Therefore, it has been classified as a Variant of Uncertain Significance.

NM_001197104.2(KMT2A):c.142G>T (p.Gly48Cys)

Gene: KMT2A (lysine methyltransferase 2A; plus strand). Cytogenetic location: 11q23.3.
Variant type: single nucleotide variant.
Coding change: c.142G>T on transcript NM_001197104.2 (MANE Select); coding-DNA position 142, G replaced by T.
Protein change: p.Gly48Cys; replaces glycine 48 with cysteine.
Molecular consequence: missense variant.
Genome position (GRCh38, 1-based): chr11:118,436,654, G>T. VCF-style: chr11-118436654-G-T. GRCh37 (hg19) VCF-style: chr11-118307369-G-T.
Other names: c.142G>T, p.Gly48Cys (NM_001412597.1, NM_005933.4); short protein forms G48C.
Identifiers: ClinVar variation 3683323 (VCV003683323.2).